The following is an entry in ClinVar:

ClinVar aggregate classification (germline): Conflicting classifications of pathogenicity. Review status: criteria provided, conflicting classifications (1 of 4 stars). 2 submissions from 2 submitters: Likely pathogenic (1); Uncertain significance (1). Last evaluated 2026-03-13.

Conditions:
CHRNB1-related disorder. Also called: CHRNB1-related condition.
Congenital myasthenic syndrome 2A. Also called: Myasthenic syndrome, congenital, 2a, slow-channel. Identifiers: Orphanet 590, MedGen C4225374, MONDO:0014581, OMIM 616313.

Allele frequency attached by ClinVar (database versions not stated): gnomAD exomes below 0.00001; gnomAD 0.00001.
gnomAD v4.1: 3 of 1,610,660 alleles (0.00019%); highest among the groups gnomAD compares: Non-Finnish European, 0.00025%; no homozygotes.

Submissions (2):

PreventionGenetics, part of Exact Sciences
Classification: Uncertain significance for CHRNB1-related condition. Last evaluated: 2026-03-13. Review status: criteria provided, single submitter. Criteria: ACMG Guidelines, 2015. Collection method: clinical testing. Allele origin: germline.
Comment: The CHRNB1 c.58+1G>A variant is predicted to disrupt the GT donor site and interfere with normal splicing. To our knowledge, this variant has not been reported in the literature. This variant is reported in 0.013% of alleles in individuals of European (Non-Finnish) descent in gnomAD. Although we suspect that this variant may be pathogenic, at this time, the clinical significance of this variant is uncertain due to the absence of conclusive functional and genetic evidence.

Labcorp Genetics (formerly Invitae), Labcorp
Classification: Likely pathogenic for Congenital myasthenic syndrome 2A. Last evaluated: 2022-12-14. Review status: criteria provided, single submitter. Criteria: Invitae Variant Classification Sherloc (09022015). Collection method: clinical testing. Allele origin: germline.
Comment: In summary, the currently available evidence indicates that the variant is pathogenic, but additional data are needed to prove that conclusively. Therefore, this variant has been classified as Likely Pathogenic. Algorithms developed to predict the effect of sequence changes on RNA splicing suggest that this variant may disrupt the consensus splice site. This variant has not been reported in the literature in individuals affected with CHRNB1-related conditions. This variant is present in population databases (no rsID available, gnomAD 0.01%). This sequence change affects a donor splice site in intron 1 of the CHRNB1 gene. It is expected to disrupt RNA splicing. Variants that disrupt the donor or acceptor splice site typically lead to a loss of protein function (PMID: 16199547), and loss-of-function variants in CHRNB1 are known to be pathogenic (PMID: 10562302).

Literature cited by the submitters: PubMed 16199547 (cited by Labcorp Genetics (formerly Invitae), Labcorp); PubMed 10562302 (cited by Labcorp Genetics (formerly Invitae), Labcorp).

NM_000747.3(CHRNB1):c.58+1G>A

Gene: CHRNB1 (cholinergic receptor nicotinic beta 1 subunit; plus strand). Cytogenetic location: 17p13.1.
Variant type: single nucleotide variant.
Coding change: c.58+1G>A on transcript NM_000747.3 (MANE Select); the canonical splice donor site of the intron after coding-DNA position 58, G replaced by A.
Molecular consequence: splice donor variant.
Genome position (GRCh38, 1-based): chr17:7,445,186, G>A. VCF-style: chr17-7445186-G-A. GRCh37 (hg19) VCF-style: chr17-7348505-G-A.
Identifiers: ClinVar variation 2630469 (VCV002630469.5), dbSNP rs1173532574, ClinGen allele CA397786465.